The following is an entry in ClinVar:

ClinVar aggregate classification (germline): Benign (1 of 4 stars; one submission).

Conditions:
Neurodegeneration with brain iron accumulation 4 (NBIA4). Also called: MITOCHONDRIAL PROTEIN-ASSOCIATED NEURODEGENERATION. Identifiers: Orphanet 289560, MedGen C3280371, MONDO:0013674, OMIM 614298. Disease mechanism: loss of function.

Allele frequency attached by ClinVar (database versions not stated): TOPMed 0.02244; 1000 Genomes Project 30x 0.02249; 1000 Genomes Project 0.02316.
gnomAD v4.1: 3,775 of 454,090 alleles (0.83%); highest among the groups gnomAD compares: African/African-American, 7%; 127 homozygotes.

Submission:

Illumina Laboratory Services, Illumina
Classification: Benign for Neurodegeneration with brain iron accumulation 4. Last evaluated: 2018-01-13. Review status: criteria provided, single submitter. Criteria: ICSL Variant Classification Criteria 13 December 2019. Collection method: clinical testing. Allele origin: germline.
Comment: This variant was observed in the ICSL laboratory as part of a predisposition screen in an ostensibly healthy population. It had not been previously curated by ICSL or reported in the Human Gene Mutation Database (HGMD: prior to June 1st, 2018), and was therefore a candidate for classification through an automated scoring system. Utilizing variant allele frequency, disease prevalence and penetrance estimates, and inheritance mode, an automated score was calculated to assess if this variant is too frequent to cause the disease. Based on the score and internal cut-off values, a variant classified as benign is not then subjected to further curation. The score for this variant resulted in a classification of benign for this disease.

NM_031448.6(C19orf12):c.*1362G>A

Gene: C19orf12 (chromosome 19 open reading frame 12; minus strand). Cytogenetic location: 19q12.
Variant type: single nucleotide variant.
Coding change: c.*1362G>A on transcript NM_031448.6 (MANE Select); 1362 bases downstream of the stop codon, G replaced by A.
Molecular consequence: 3 prime UTR variant.
Genome position (GRCh38, 1-based): chr19:29,701,350, C>T on the plus strand (G>A on the coding strand, the complement: C19orf12 is on the minus strand). VCF-style: chr19-29701350-C-T. GRCh37 (hg19) VCF-style: chr19-30192257-C-T.
Other names: c.*1362G>A (NM_001031726.4, NM_001256047.2, NM_001282929.1 and 2 more transcripts); c.*1409G>A (NM_001256046.3).
Identifiers: ClinVar variation 328700 (VCV000328700.5), dbSNP rs113343769, ClinGen allele CA9351748.